The following is an entry in ClinVar:

NM_058216.3(RAD51C):c.1075A>G (p.Thr359Ala)

Gene: RAD51C (RAD51 paralog C; plus strand). Cytogenetic location: 17q22.
Variant type: single nucleotide variant.
Coding change: c.1075A>G on transcript NM_058216.3 (MANE Select); coding-DNA position 1075, A replaced by G.
Protein change: p.Thr359Ala; replaces threonine 359 with alanine.
Molecular consequence: missense variant. On other transcripts: non-coding transcript variant (1).
Genome position (GRCh38, 1-based): chr17:58,734,166, A>G. VCF-style: chr17-58734166-A-G. GRCh37 (hg19) VCF-style: chr17-56811527-A-G.
Other names: c.*503A>G (NM_058217.1); short protein forms T359A.
Identifiers: ClinVar variation 1784594 (VCV001784594.5), dbSNP rs1368752573, ClinGen allele CA400366268.

ClinVar aggregate classification (germline): Conflicting classifications of pathogenicity. Review status: criteria provided, conflicting classifications (1 of 4 stars). 2 submissions from 2 submitters: Uncertain significance (1); Likely benign (1). Last evaluated 2024-04-22.

Conditions:
Hereditary cancer-predisposing syndrome. Also called: Tumor predisposition; Neoplastic Syndromes, Hereditary; Hereditary Cancer Syndrome; Hereditary neoplastic syndrome. Identifiers: Orphanet 140162, MedGen C0027672, MeSH D009386, MONDO:0015356.
Fanconi anemia complementation group O. Also called: RAD51C-Related Fanconi Anemia. Identifiers: Orphanet 84, MedGen C3150653, MONDO:0013248, OMIM 613390.

Allele frequency attached by ClinVar (database versions not stated): TOPMed below 0.00001; gnomAD 0.00001.
gnomAD v4.1: 1 of 1,613,650 alleles (0.000062%); highest among the groups gnomAD compares: African/African-American, 0.0013%; no homozygotes.

Submissions (2):

Labcorp Genetics (formerly Invitae), Labcorp
Classification: Uncertain significance for Fanconi anemia complementation group O. Last evaluated: 2024-04-22. Review status: criteria provided, single submitter. Criteria: Invitae Variant Classification Sherloc (09022015). Collection method: clinical testing. Allele origin: germline.
Comment: This sequence change replaces threonine, which is neutral and polar, with alanine, which is neutral and non-polar, at codon 359 of the RAD51C protein (p.Thr359Ala). This variant is not present in population databases (gnomAD no frequency). This variant has not been reported in the literature in individuals affected with RAD51C-related conditions. ClinVar contains an entry for this variant (Variation ID: 1784594). Algorithms developed to predict the effect of missense changes on protein structure and function output the following: SIFT: "Not Available"; PolyPhen-2: "Benign"; Align-GVGD: "Not Available". The alanine amino acid residue is found in multiple mammalian species, which suggests that this missense change does not adversely affect protein function. In summary, the available evidence is currently insufficient to determine the role of this variant in disease. Therefore, it has been classified as a Variant of Uncertain Significance.

Ambry Genetics
Classification: Likely benign for Hereditary cancer-predisposing syndrome. Last evaluated: 2024-02-26. Review status: criteria provided, single submitter. Criteria: Ambry Variant Classification Scheme 2023. Collection method: clinical testing. Allele origin: germline.